The following is an entry in ClinVar:

ClinVar aggregate classification (germline): Uncertain significance (1 of 4 stars; one submission).

Conditions:
Inborn genetic diseases. Identifiers: MedGen C0950123, MeSH D030342.

Allele frequency attached by ClinVar (database versions not stated): gnomAD exomes below 0.00001.
gnomAD v4.1: 1 of 1,612,486 alleles (0.000062%); highest among the groups gnomAD compares: Admixed American, 0.0017%; no homozygotes.

Submission:

Ambry Genetics
Classification: Uncertain significance for Inborn genetic diseases. Last evaluated: 2020-12-29. Review status: criteria provided, single submitter. Criteria: Ambry Variant Classification Scheme 2023. Collection method: clinical testing. Allele origin: germline.
Comment: The c.614G>T (p.W205L) alteration is located in exon 4 (coding exon 4) of the AQP2 gene. This alteration results from a G to T substitution at nucleotide position 614, causing the tryptophan (W) at amino acid position 205 to be replaced by a leucine (L). The p.W205L alteration is predicted to be deleterious by in silico analysis. Based on insufficient or conflicting evidence, the clinical significance of this alteration remains unclear.

NM_000486.6(AQP2):c.614G>T (p.Trp205Leu)

Genes: AQP2 (aquaporin 2; plus strand), AQP5-AS1 (AQP5 and AQP2 antisense RNA 2; minus strand). Cytogenetic location: 12q13.12.
Variant type: single nucleotide variant.
Coding change: c.614G>T on transcript NM_000486.6 (MANE Select); coding-DNA position 614, G replaced by T.
Protein change: p.Trp205Leu; replaces tryptophan 205 with leucine.
Molecular consequence: missense variant.
Genome position (GRCh38, 1-based): chr12:49,955,406, G>T. VCF-style: chr12-49955406-G-T. GRCh37 (hg19) VCF-style: chr12-50349189-G-T.
Other names: short protein forms W205L.
Identifiers: ClinVar variation 2228103 (VCV002228103.2), dbSNP rs1420691120, ClinGen allele CA384775401.
Genomic context (GRCh38, chr12:49,955,406, plus strand): 5'-CCGCGTGCCGGTGCCGGCGCGGGTGCCAAGCCGCCCTCTCCGCTCGCCCCCAGGTCTTCT[G>T]GATCGGACCCCTGGTGGGCGCCATCCTGGGCTCCCTCCTCTACAACTACGTGCTGTTTCC-3'
Protein context (NP_000477.1, residues 195-215): TGKFDDHWVF[Trp205Leu]IGPLVGAILG